The following is an entry in ClinVar:

ClinVar aggregate classification (germline): Benign/Likely benign. Review status: criteria provided, multiple submitters, no conflicts (2 of 4 stars). 3 submissions from 3 submitters: Benign (1); Likely benign (2). Last evaluated 2026-06-30.

Conditions:
Sessile serrated polyposis cancer syndrome (SSPCS). Identifiers: Orphanet 157798, MedGen C4310714, MONDO:0014919, OMIM 617108.

Allele frequency attached by ClinVar (database versions not stated): ExAC 0.00002; TOPMed 0.00019; gnomAD 0.00011 and 0.00012; 1000 Genomes Project 0.00020; gnomAD exomes 0.00003; 1000 Genomes Project 30x 0.00016.
gnomAD v4.1: 34 of 1,614,190 alleles (0.0021%); highest among the groups gnomAD compares: African/African-American, 0.033%; no homozygotes.

Submissions (3):

Myriad Genetics, Inc.
Classification: Benign for Sessile serrated polyposis cancer syndrome. Last evaluated: 2026-06-30. Review status: criteria provided, single submitter. Criteria: Myriad Autosomal Dominant, Autosomal Recessive and X-Linked Classification Criteria (2023). Collection method: clinical testing. Allele origin: unknown.
Comment: This variant is considered benign. This variant is a silent/synonymous amino acid change and it is not expected to impact splicing.

Labcorp Genetics (formerly Invitae), Labcorp
Classification: Likely benign. Last evaluated: 2025-06-08. Review status: criteria provided, single submitter. Criteria: Invitae Variant Classification Sherloc (09022015). Collection method: clinical testing. Allele origin: germline.

Ambry Genetics
Classification: Likely benign. Last evaluated: 2024-11-25. Review status: criteria provided, single submitter. Criteria: Ambry Variant Classification Scheme 2023. Collection method: clinical testing. Allele origin: germline.

NM_017763.6(RNF43):c.471G>T (p.Leu157=)

Gene: RNF43 (ring finger protein 43; minus strand). Cytogenetic location: 17q22.
Variant type: single nucleotide variant.
Coding change: c.471G>T on transcript NM_017763.6 (MANE Select); coding-DNA position 471, G replaced by T.
Protein change: p.Leu157=; no amino-acid change (leucine 157 retained).
Molecular consequence: synonymous variant.
Genome position (GRCh38, 1-based): chr17:58,363,386, C>A on the plus strand (G>T on the coding strand, the complement: RNF43 is on the minus strand). VCF-style: chr17-58363386-C-A. GRCh37 (hg19) VCF-style: chr17-56440747-C-A.
Other names: c.471G>T, p.Leu157= (NM_001305544.3); c.90G>T, p.Leu30= (NM_001305545.2).
Identifiers: ClinVar variation 1115166 (VCV001115166.11), dbSNP rs532357871, ClinGen allele CA8673403.